The following is an entry in ClinVar:

NM_000890.5(KCNJ5):c.445A>G (p.Thr149Ala)

Gene: KCNJ5 (potassium inwardly rectifying channel subfamily J member 5; plus strand). Cytogenetic location: 11q24.3.
Variant type: single nucleotide variant.
Coding change: c.445A>G on transcript NM_000890.5 (MANE Select); coding-DNA position 445, A replaced by G.
Protein change: p.Thr149Ala; replaces threonine 149 with alanine.
Molecular consequence: missense variant.
Genome position (GRCh38, 1-based): chr11:128,911,718, A>G. VCF-style: chr11-128911718-A-G. GRCh37 (hg19) VCF-style: chr11-128781613-A-G.
Other names: c.445A>G, p.Thr149Ala (NM_001354169.2); short protein forms T149A.
Identifiers: ClinVar variation 2416989 (VCV002416989.6), dbSNP rs1486594770, ClinGen allele CA383248147.

ClinVar aggregate classification (germline): Uncertain significance (1 of 4 stars; one submission).

Conditions:
Long QT syndrome (LQTS). Identifiers: MedGen C0023976, MeSH D008133, MONDO:0002442. Disease mechanism: loss of function. Inheritance: Various modes of inheritance.

Allele frequency attached by ClinVar (database versions not stated): gnomAD exomes below 0.00001.
gnomAD v4.1: 7 of 1,614,172 alleles (0.00043%); highest among the groups gnomAD compares: Non-Finnish European, 0.00051%; no homozygotes.

Submission:

Labcorp Genetics (formerly Invitae), Labcorp
Classification: Uncertain significance for Long QT syndrome. Last evaluated: 2024-01-08. Review status: criteria provided, single submitter. Criteria: Invitae Variant Classification Sherloc (09022015). Collection method: clinical testing. Allele origin: germline.
Comment: This sequence change replaces threonine, which is neutral and polar, with alanine, which is neutral and non-polar, at codon 149 of the KCNJ5 protein (p.Thr149Ala). This variant is present in population databases (no rsID available, gnomAD 0.002%). This variant has not been reported in the literature in individuals affected with KCNJ5-related conditions. ClinVar contains an entry for this variant (Variation ID: 2416989). Advanced modeling of protein sequence and biophysical properties (such as structural, functional, and spatial information, amino acid conservation, physicochemical variation, residue mobility, and thermodynamic stability) performed at Invitae indicates that this missense variant is expected to disrupt KCNJ5 protein function with a positive predictive value of 80%. In summary, the available evidence is currently insufficient to determine the role of this variant in disease. Therefore, it has been classified as a Variant of Uncertain Significance.